The following is an entry in ClinVar:

ClinVar aggregate classification (germline): Uncertain significance (1 of 4 stars; one submission).

Conditions:
Primary ciliary dyskinesia. Also called: Ciliary dyskinesia. Identifiers: Orphanet 244, MedGen C0008780, MONDO:0016575, HP:0012265.

Allele frequency attached by ClinVar (database versions not stated): TOPMed 0.00003.
gnomAD v4.1: 14 of 1,613,638 alleles (0.00087%); highest among the groups gnomAD compares: Non-Finnish European, 0.0011%; no homozygotes.

Submission:

Labcorp Genetics (formerly Invitae), Labcorp
Classification: Uncertain significance for Primary ciliary dyskinesia. Last evaluated: 2020-10-14. Review status: criteria provided, single submitter. Criteria: Invitae Variant Classification Sherloc (09022015). Collection method: clinical testing. Allele origin: germline.
Comment: In summary, the available evidence is currently insufficient to determine the role of this variant in disease. Therefore, it has been classified as a Variant of Uncertain Significance. Algorithms developed to predict the effect of missense changes on protein structure and function are either unavailable or do not agree on the potential impact of this missense change (SIFT: "Deleterious"; PolyPhen-2: "Not Available"; Align-GVGD: "Class C15"). This variant has not been reported in the literature in individuals with DNAH8-related conditions. This variant is present in population databases (rs751256547, ExAC 0.002%). This sequence change replaces glycine with valine at codon 3516 of the DNAH8 protein (p.Gly3516Val). The glycine residue is highly conserved and there is a moderate physicochemical difference between glycine and valine.

NM_001206927.2(DNAH8):c.10547G>T (p.Gly3516Val)

Genes: DNAH8 (dynein axonemal heavy chain 8; plus strand), DNAH8-AS1 (DNAH8 antisense RNA 1; minus strand). Cytogenetic location: 6p21.2.
Variant type: single nucleotide variant.
Coding change: c.10547G>T on transcript NM_001206927.2 (MANE Select); coding-DNA position 10547, G replaced by T.
Protein change: p.Gly3516Val; replaces glycine 3516 with valine.
Molecular consequence: missense variant.
Genome position (GRCh38, 1-based): chr6:38,921,391, G>T. VCF-style: chr6-38921391-G-T. GRCh37 (hg19) VCF-style: chr6-38889167-G-T.
Other names: c.9896G>T, p.Gly3299Val (NM_001371.4); short protein forms G3299V, G3516V.
Identifiers: ClinVar variation 1026838 (VCV001026838.9), dbSNP rs751256547, ClinGen allele CA3790756.